The following is an entry in ClinVar:

ClinVar aggregate classification (germline): Uncertain significance. Review status: criteria provided, multiple submitters, no conflicts (2 of 4 stars). 3 submissions from 3 submitters: Uncertain significance (3). Last evaluated 2024-07-08.

Conditions:
Congenital diarrhea 7 with exudative enteropathy. Also called: Diarrhea 7. Identifiers: Orphanet 329242, MedGen C4014516, MONDO:0014375, OMIM 615863.

Allele frequency attached by ClinVar (database versions not stated): ESP Exome Variant Server 0.00046.
gnomAD v4.1: 140 of 1,612,722 alleles (0.0087%); highest among the groups gnomAD compares: African/African-American, 0.13%; no homozygotes.

Submissions (3):

Mayo Clinic Laboratories, Mayo Clinic
Classification: Uncertain significance. Last evaluated: 2024-07-08. Review status: criteria provided, single submitter. Criteria: ACMG Guidelines, 2015. Collection method: clinical testing. Allele origin: germline. Observed: 1 variant allele.
Comment: BP4

Labcorp Genetics (formerly Invitae), Labcorp
Classification: Uncertain significance. Last evaluated: 2022-10-05. Review status: criteria provided, single submitter. Criteria: Invitae Variant Classification Sherloc (09022015). Collection method: clinical testing. Allele origin: germline.
Comment: This sequence change replaces arginine, which is basic and polar, with cysteine, which is neutral and slightly polar, at codon 212 of the DGAT1 protein (p.Arg212Cys). This variant is present in population databases (rs150434452, gnomAD 0.09%). This variant has not been reported in the literature in individuals affected with DGAT1-related conditions. ClinVar contains an entry for this variant (Variation ID: 1030218). Advanced modeling of protein sequence and biophysical properties (such as structural, functional, and spatial information, amino acid conservation, physicochemical variation, residue mobility, and thermodynamic stability) performed at Invitae indicates that this missense variant is not expected to disrupt DGAT1 protein function. In summary, the available evidence is currently insufficient to determine the role of this variant in disease. Therefore, it has been classified as a Variant of Uncertain Significance.

Baylor Genetics
Classification: Uncertain significance for Congenital diarrhea 7 with exudative enteropathy. Last evaluated: 2020-06-08. Review status: criteria provided, single submitter. Criteria: ACMG Guidelines, 2015. Collection method: clinical testing. Allele origin: unknown. Affected: yes.
Comment: This variant was determined to be of uncertain significance according to ACMG Guidelines, 2015 [PMID:25741868].

NM_012079.6(DGAT1):c.634C>T (p.Arg212Cys)

Gene: DGAT1 (diacylglycerol O-acyltransferase 1; minus strand). Cytogenetic location: 8q24.3.
Variant type: single nucleotide variant.
Coding change: c.634C>T on transcript NM_012079.6 (MANE Select); coding-DNA position 634, C replaced by T.
Protein change: p.Arg212Cys; replaces arginine 212 with cysteine.
Molecular consequence: missense variant.
Genome position (GRCh38, 1-based): chr8:144,318,303, G>A on the plus strand (C>T on the coding strand, the complement: DGAT1 is on the minus strand). VCF-style: chr8-144318303-G-A. GRCh37 (hg19) VCF-style: chr8-145541966-G-A.
Other names: p.Arg212Cys; short protein forms R212C.
Identifiers: ClinVar variation 1030218 (VCV001030218.5), dbSNP rs150434452, ClinGen allele CA4936939.
Genomic context (GRCh38, chr8:144,318,303, plus strand): 5'-CCCCTGGCAGCCCCTCACCAGCCTTGGCCCTGGCCCTGCGGCACCATGAGTTGACGTCGC[G>A]GTAGGAGAAGAGCTTGAGGAAGAGGATGGTGTGCGCCATCAGCGCCAGCAGGGAGCCCAC-3'
Protein context (NP_036211.2, residues 202-222): TILFLKLFSY[Arg212Cys]DVNSWCRRAR